The following is an entry in ClinVar:

NM_003906.5(MCM3AP):c.1646C>G (p.Ala549Gly)

Gene: MCM3AP (minichromosome maintenance complex component 3 associated protein; minus strand). Cytogenetic location: 21q22.3.
Variant type: single nucleotide variant.
Coding change: c.1646C>G on transcript NM_003906.5 (MANE Select); coding-DNA position 1646, C replaced by G.
Protein change: p.Ala549Gly; replaces alanine 549 with glycine.
Molecular consequence: missense variant.
Genome position (GRCh38, 1-based): chr21:46,280,014, G>C on the plus strand (C>G on the coding strand, the complement: MCM3AP is on the minus strand). VCF-style: chr21-46280014-G-C. GRCh37 (hg19) VCF-style: chr21-47699928-G-C.
Other names: short protein forms A549G.
Identifiers: ClinVar variation 1350207 (VCV001350207.6), dbSNP rs2145715537, ClinGen allele CA410529161.
Genomic context (GRCh38, chr21:46,280,014, plus strand): 5'-TCCTTCCGGAATAAGGTCATTAGGAGGGACCGATCCCACCTTTTATTCAGGAGGCTGCTA[G>C]CACCAGTCCTCCCTGCGGCCTTGCCAAGAGGAGAGTGCTGAAAGGGTGCATCCTCTGTGC-3'
Protein context (NP_003897.2, residues 539-559): PLGKAAGRTG[Ala549Gly]SSLLNKSSPV

ClinVar aggregate classification (germline): Uncertain significance (1 of 4 stars; one submission).

Submission:

Labcorp Genetics (formerly Invitae), Labcorp
Classification: Uncertain significance. Last evaluated: 2021-11-08. Review status: criteria provided, single submitter. Criteria: Invitae Variant Classification Sherloc (09022015). Collection method: clinical testing. Allele origin: germline.
Comment: In summary, the available evidence is currently insufficient to determine the role of this variant in disease. Therefore, it has been classified as a Variant of Uncertain Significance. Algorithms developed to predict the effect of missense changes on protein structure and function (SIFT, PolyPhen-2, Align-GVGD) all suggest that this variant is likely to be tolerated. This variant has not been reported in the literature in individuals affected with MCM3AP-related conditions. This variant is not present in population databases (gnomAD no frequency). This sequence change replaces alanine, which is neutral and non-polar, with glycine, which is neutral and non-polar, at codon 549 of the MCM3AP protein (p.Ala549Gly).